The following is an entry in ClinVar:

ClinVar aggregate classification (germline): Likely benign. Review status: criteria provided, multiple submitters, no conflicts (2 of 4 stars). 4 submissions from 4 submitters: Likely benign (4). Last evaluated 2025-07-09.

Conditions:
Marfan syndrome (MFS). Also called: Marfan syndrome type 1; Marfan's syndrome; FBN1-Related Marfan Syndrome; MARFAN SYNDROME, TYPE I; Marfan syndrome, classic. Identifiers: Orphanet 284963, Orphanet 558, MedGen C0024796, MONDO:0007947, OMIM 154700.
Familial thoracic aortic aneurysm and aortic dissection (TAAD). Also called: Thoracic aortic aneurysms and dissections. Identifiers: Orphanet 91387, MedGen C4707243, MONDO:0019625.

Allele frequency attached by ClinVar (database versions not stated): ExAC 0.00001; gnomAD exomes below 0.00001.
gnomAD v4.1: 1 of 1,611,424 alleles (0.000062%); highest among the groups gnomAD compares: Admixed American, 0.0017%; no homozygotes.

Submissions (4):

Labcorp Genetics (formerly Invitae), Labcorp
Classification: Likely benign for Marfan syndrome; Familial thoracic aortic aneurysm and aortic dissection. Last evaluated: 2025-07-09. Review status: criteria provided, single submitter. Criteria: Invitae Variant Classification Sherloc (09022015). Collection method: clinical testing. Allele origin: germline.

Ambry Genetics
Classification: Likely benign for Familial thoracic aortic aneurysm and aortic dissection. Last evaluated: 2025-01-21. Review status: criteria provided, single submitter. Criteria: Ambry Variant Classification Scheme 2023. Collection method: clinical testing. Allele origin: germline.

All of Us Research Program, National Institutes of Health
Classification: Likely benign for Marfan syndrome. Last evaluated: 2023-03-28. Review status: criteria provided, single submitter. Criteria: ACMG Guidelines, 2015. Collection method: clinical testing. Allele origin: germline. Inheritance: Autosomal dominant inheritance. Observed: 1 variant allele, 1 heterozygote.
Comment: This study involves interpretation of variants in research participants for the purpose of population health screening. Participant phenotype was not available at the time of variant classification. Additional details can be found in publication PMID: 35346344, PMCID: PMC8962531

Color Diagnostics, LLC DBA Color Health
Classification: Likely benign for Familial thoracic aortic aneurysm and aortic dissection. Last evaluated: 2021-03-16. Review status: criteria provided, single submitter. Criteria: ACMG Guidelines, 2015. Collection method: clinical testing. Allele origin: germline.

NM_000138.5(FBN1):c.5697C>T (p.Ala1899=)

Gene: FBN1 (fibrillin 1; minus strand). Cytogenetic location: 15q21.1.
Variant type: single nucleotide variant.
Coding change: c.5697C>T on transcript NM_000138.5 (MANE Select); coding-DNA position 5697, C replaced by T.
Protein change: p.Ala1899=; no amino-acid change (alanine 1899 retained).
Molecular consequence: synonymous variant.
Genome position (GRCh38, 1-based): chr15:48,446,797, G>A on the plus strand (C>T on the coding strand, the complement: FBN1 is on the minus strand). VCF-style: chr15-48446797-G-A. GRCh37 (hg19) VCF-style: chr15-48738994-G-A.
Identifiers: ClinVar variation 1332411 (VCV001332411.7), dbSNP rs772617187, ClinGen allele CA055434.